The following is an entry in ClinVar:

ClinVar aggregate classification (germline): Benign/Likely benign. Review status: criteria provided, multiple submitters, no conflicts (2 of 4 stars). 3 submissions from 3 submitters: Benign (1); Likely benign (2). Last evaluated 2024-09-19.

Conditions:
Hereditary cancer-predisposing syndrome. Also called: Tumor predisposition; Neoplastic Syndromes, Hereditary; Hereditary Cancer Syndrome; Hereditary neoplastic syndrome. Identifiers: Orphanet 140162, MedGen C0027672, MeSH D009386, MONDO:0015356.
Hereditary diffuse gastric adenocarcinoma (HDGC). Also called: DIFFUSE GASTRIC AND LOBULAR BREAST CANCER SYNDROME. Identifiers: Orphanet 26106, MedGen C1708349, MONDO:0007648, OMIM 137215.

Submissions (3):

Myriad Genetics, Inc.
Classification: Benign for Hereditary diffuse gastric adenocarcinoma. Last evaluated: 2024-09-19. Review status: criteria provided, single submitter. Criteria: Myriad Autosomal Dominant, Autosomal Recessive and X-Linked Classification Criteria (2023). Collection method: clinical testing. Allele origin: unknown.
Comment: This variant is considered benign. This variant is a silent/synonymous amino acid change and it is not expected to impact splicing.

Labcorp Genetics (formerly Invitae), Labcorp
Classification: Likely benign for Hereditary diffuse gastric adenocarcinoma. Last evaluated: 2022-02-18. Review status: criteria provided, single submitter. Criteria: Invitae Variant Classification Sherloc (09022015). Collection method: clinical testing. Allele origin: germline.

Color Diagnostics, LLC DBA Color Health
Classification: Likely benign for Hereditary cancer-predisposing syndrome. Last evaluated: 2015-09-03. Review status: criteria provided, single submitter. Criteria: ACMG Guidelines, 2015. Collection method: clinical testing. Allele origin: germline.

NM_004360.5(CDH1):c.1479G>C (p.Val493=)

Gene: CDH1 (cadherin 1; plus strand). Cytogenetic location: 16q22.1.
Variant type: single nucleotide variant.
Coding change: c.1479G>C on transcript NM_004360.5 (MANE Select); coding-DNA position 1479, G replaced by C.
Protein change: p.Val493=; no amino-acid change (valine 493 retained).
Molecular consequence: synonymous variant. On other transcripts: 5 prime UTR variant (2).
Genome position (GRCh38, 1-based): chr16:68,815,673, G>C. VCF-style: chr16-68815673-G-C. GRCh37 (hg19) VCF-style: chr16-68849576-G-C.
Other names: c.1296G>C, p.Val432= (NM_001317184.2); c.-70G>C (NM_001317185.2); c.-341G>C (NM_001317186.2).
Identifiers: ClinVar variation 491498 (VCV000491498.15), dbSNP rs755157715, ClinGen allele CA496154082.